The following is an entry in ClinVar:

ClinVar aggregate classification (germline): Benign (1 of 4 stars; one submission).

Allele frequency attached by ClinVar (database versions not stated): 1000 Genomes Project 30x 0.56449; 1000 Genomes Project 0.56689; TOPMed 0.65720; ExAC 0.67287; gnomAD 0.67586; ESP Exome Variant Server 0.68930; gnomAD exomes 0.72981.
gnomAD v4.1: 1,168,644 of 1,613,652 alleles (72%); highest among the groups gnomAD compares: Non-Finnish European, 76%; 429,129 homozygotes.

Submission:

Unidad de Genómica Garrahan, Hospital de Pediatría Garrahan
Classification: Benign. Last evaluated: 2024-01-24. Review status: criteria provided, single submitter. Criteria: ACMG Guidelines, 2015. Collection method: clinical testing. Allele origin: germline. Affected: no. Observed: 78 variant alleles.
Comment: This variant is classified as Benign based on local population frequency. This variant was detected in 82% of patients studied by a panel of primary immunodeficiencies. Number of patients: 78. Only high quality variants are reported.

NM_021035.3(ZNFX1):c.2772G>C (p.Gln924His)

Gene: ZNFX1 (zinc finger NFX1-type containing 1; minus strand). Cytogenetic location: 20q13.13.
Variant type: single nucleotide variant.
Coding change: c.2772G>C on transcript NM_021035.3 (MANE Select); coding-DNA position 2772, G replaced by C.
Protein change: p.Gln924His; replaces glutamine 924 with histidine.
Molecular consequence: missense variant.
Genome position (GRCh38, 1-based): chr20:49,255,840, C>G on the plus strand (G>C on the coding strand, the complement: ZNFX1 is on the minus strand). VCF-style: chr20-49255840-C-G. GRCh37 (hg19) VCF-style: chr20-47872377-C-G.
Other names: short protein forms Q924H.
Identifiers: ClinVar variation 2687973 (VCV002687973.2), dbSNP rs238221, ClinGen allele CA9902186.